The following is an entry in ClinVar:

NM_003748.4(ALDH4A1):c.*444T>C

Gene: ALDH4A1 (aldehyde dehydrogenase 4 family member A1; minus strand). Cytogenetic location: 1p36.13.
Variant type: single nucleotide variant.
Coding change: c.*444T>C on transcript NM_003748.4 (MANE Select); 444 bases downstream of the stop codon, T replaced by C.
Molecular consequence: 3 prime UTR variant. On other transcripts: intron variant (1).
Genome position (GRCh38, 1-based): chr1:18,872,401, A>G on the plus strand (T>C on the coding strand, the complement: ALDH4A1 is on the minus strand). VCF-style: chr1-18872401-A-G. GRCh37 (hg19) VCF-style: chr1-19198895-A-G.
Other names: c.*444T>C (NM_001161504.2, NM_001319218.2); c.*41+403T>C (NM_170726.3).
Identifiers: ClinVar variation 294353 (VCV000294353.6), dbSNP rs9117, ClinGen allele CA10609120.
Genomic context (GRCh38, chr1:18,872,401, plus strand): 5'-GGTAGACAGCCCAGACCAGAGAGGGCAAGGCCAGCTGGTGCCCCCTGTGCCCCACAGGTC[A>G]GTCTGAGTTACACTTTACCCTGGACACCTGGAGGGGCAGGGATCAAGGCCAGGAGCCTCT-3'

ClinVar aggregate classification (germline): Benign. Review status: criteria provided, multiple submitters, no conflicts (2 of 4 stars). 2 submissions from 2 submitters: Benign (2). Last evaluated 2018-01-13.

Conditions:
Hyperprolinemia type 2 (HYRPRO2). Also called: 1-PYRROLINE-5-CARBOXYLATE DEHYDROGENASE DEFICIENCY; Deficiency of pyrroline-5-carboxylate reductase; Delta-1-pyrroline-5-carboxylate dehydrogenase deficiency. Identifiers: Orphanet 79101, MedGen C2931835, MONDO:0009401, OMIM 239510.

Allele frequency attached by ClinVar (database versions not stated): 1000 Genomes Project 0.11022; 1000 Genomes Project 30x 0.11305; gnomAD exomes 0.15689; TOPMed 0.18119; gnomAD 0.18253 and 0.18721.
gnomAD v4.1: 29,374 of 161,142 alleles (18%); highest among the groups gnomAD compares: Non-Finnish European, 25%; 3,206 homozygotes.

Submissions (2):

Illumina Laboratory Services, Illumina
Classification: Benign for Hyperprolinemia type 2. Last evaluated: 2018-01-13. Review status: criteria provided, single submitter. Criteria: ICSL Variant Classification Criteria 13 December 2019. Collection method: clinical testing. Allele origin: germline.
Comment: This variant was observed in the ICSL laboratory as part of a predisposition screen in an ostensibly healthy population. It had not been previously curated by ICSL or reported in the Human Gene Mutation Database (HGMD: prior to June 1st, 2018), and was therefore a candidate for classification through an automated scoring system. Utilizing variant allele frequency, disease prevalence and penetrance estimates, and inheritance mode, an automated score was calculated to assess if this variant is too frequent to cause the disease. Based on the score and internal cut-off values, a variant classified as benign is not then subjected to further curation. The score for this variant resulted in a classification of benign for this disease.

Breakthrough Genomics
Classification: Benign. Review status: criteria provided, single submitter. Criteria: ACMG Guidelines, 2015. Collection method: not provided. Allele origin: germline. Inheritance: Autosomal recessive inheritance. Affected: yes.